The following is an entry in ClinVar:

NM_004807.3(HS6ST1):c.1193T>C (p.Val398Ala)

Gene: HS6ST1 (heparan sulfate 6-O-sulfotransferase 1; minus strand). Cytogenetic location: 2q14.3.
Variant type: single nucleotide variant.
Coding change: c.1193T>C on transcript NM_004807.3 (MANE Select); coding-DNA position 1193, T replaced by C.
Protein change: p.Val398Ala; replaces valine 398 with alanine.
Molecular consequence: missense variant.
Genome position (GRCh38, 1-based): chr2:128,268,205, A>G on the plus strand (T>C on the coding strand, the complement: HS6ST1 is on the minus strand). VCF-style: chr2-128268205-A-G. GRCh37 (hg19) VCF-style: chr2-129025779-A-G.
Other names: short protein forms V398A.
Identifiers: ClinVar variation 2979081 (VCV002979081.3), dbSNP rs1693552883, ClinGen allele CA348460024.

ClinVar aggregate classification (germline): Uncertain significance (1 of 4 stars; one submission).

Allele frequency attached by ClinVar (database versions not stated): gnomAD exomes 0.00001.
gnomAD v4.1: 3 of 1,609,540 alleles (0.00019%); highest among the groups gnomAD compares: Middle Eastern, 0.042%; no homozygotes.

Submission:

Labcorp Genetics (formerly Invitae), Labcorp
Classification: Uncertain significance. Last evaluated: 2023-02-25. Review status: criteria provided, single submitter. Criteria: Invitae Variant Classification Sherloc (09022015). Collection method: clinical testing. Allele origin: germline.
Comment: In summary, the available evidence is currently insufficient to determine the role of this variant in disease. Therefore, it has been classified as a Variant of Uncertain Significance. An algorithm developed to predict the effect of missense changes on protein structure and function (PolyPhen-2) suggests that this variant is likely to be tolerated. This variant has not been reported in the literature in individuals affected with HS6ST1-related conditions. This variant is not present in population databases (gnomAD no frequency). This sequence change replaces valine, which is neutral and non-polar, with alanine, which is neutral and non-polar, at codon 398 of the HS6ST1 protein (p.Val398Ala).